The following is an entry in ClinVar:

NM_030957.4(ADAMTS10):c.34C>A (p.Leu12Ile)

Gene: ADAMTS10 (ADAM metallopeptidase with thrombospondin type 1 motif 10; minus strand). Cytogenetic location: 19p13.2.
Variant type: single nucleotide variant.
Coding change: c.34C>A on transcript NM_030957.4 (MANE Select); coding-DNA position 34, C replaced by A.
Protein change: p.Leu12Ile; replaces leucine 12 with isoleucine.
Molecular consequence: missense variant.
Genome position (GRCh38, 1-based): chr19:8,605,677, G>T on the plus strand (C>A on the coding strand, the complement: ADAMTS10 is on the minus strand). VCF-style: chr19-8605677-G-T. GRCh37 (hg19) VCF-style: chr19-8670562-G-T.
Other names: short protein forms L12I.
Identifiers: ClinVar variation 2083842 (VCV002083842.2), dbSNP rs1373094715, ClinGen allele CA403758098.
Genomic context (GRCh38, chr19:8,605,677, plus strand): 5'-CCCTACCTTGAGACCGGAAGGCGTGCGTGACCTCGAACATGAGGCCCAGCCCCAGGGCGA[G>T]GGCCCAGCGGAGGATCTGGCAGGCGGGAGCCATAGAGGCCACGTGTCCACATGTCTCTCC-3'
Protein context (NP_112219.3, residues 2-22): APACQILRWA[Leu12Ile]ALGLGLMFEV

ClinVar aggregate classification (germline): Uncertain significance (1 of 4 stars; one submission).

gnomAD v4.1: 36 of 1,612,942 alleles (0.0022%); highest among the groups gnomAD compares: Non-Finnish European, 0.0031%; no homozygotes.

Submission:

Labcorp Genetics (formerly Invitae), Labcorp
Classification: Uncertain significance. Last evaluated: 2022-07-11. Review status: criteria provided, single submitter. Criteria: Invitae Variant Classification Sherloc (09022015). Collection method: clinical testing. Allele origin: germline.
Comment: In summary, the available evidence is currently insufficient to determine the role of this variant in disease. Therefore, it has been classified as a Variant of Uncertain Significance. Algorithms developed to predict the effect of missense changes on protein structure and function (SIFT, PolyPhen-2, Align-GVGD) all suggest that this variant is likely to be tolerated. This variant has not been reported in the literature in individuals affected with ADAMTS10-related conditions. This variant is present in population databases (no rsID available, gnomAD 0.004%). This sequence change replaces leucine, which is neutral and non-polar, with isoleucine, which is neutral and non-polar, at codon 12 of the ADAMTS10 protein (p.Leu12Ile).